The following is an entry in ClinVar:

ClinVar aggregate classification (germline): Uncertain significance (1 of 4 stars; one submission).

Allele frequency attached by ClinVar (database versions not stated): gnomAD exomes below 0.00001 and 0.00001; ExAC 0.00001.

Submission:

GeneDx
Classification: Uncertain significance. Last evaluated: 2020-07-06. Review status: criteria provided, single submitter. Criteria: GeneDx Variant Classification Process June 2021. Collection method: clinical testing. Allele origin: germline. Affected: yes.
Comment: In silico analysis supports that this missense variant does not alter protein structure/function; Has not been previously published as pathogenic or benign to our knowledge

NM_001008537.3(NEXMIF):c.1084T>C (p.Ser362Pro)

Gene: NEXMIF (neurite extension and migration factor; minus strand). Cytogenetic location: Xq13.3.
Variant type: single nucleotide variant.
Coding change: c.1084T>C on transcript NM_001008537.3 (MANE Select); coding-DNA position 1084, T replaced by C.
Protein change: p.Ser362Pro; replaces serine 362 with proline.
Molecular consequence: missense variant.
Genome position (GRCh38, 1-based): chrX:74,743,473, A>G on the plus strand (T>C on the coding strand, the complement: NEXMIF is on the minus strand). VCF-style: chrX-74743473-A-G. GRCh37 (hg19) VCF-style: chrX-73963308-A-G.
Other names: short protein forms S362P.
Identifiers: ClinVar variation 1313074 (VCV001313074.2), dbSNP rs777229795, ClinGen allele CA10455155.
Genomic context (GRCh38, chrX:74,743,473, plus strand): 5'-TGTCCAAGTTTTTATCTTCCTCCCCCCAGATGATGCTCACATCAGGGACCTTGAATTGGG[A>G]AAAATCACTGCTCTGCTTCAGGGCCCCACTCTTAGACTCTCGCTTGGGGCAGGTAGTAAA-3'
Protein context (NP_001008537.1, residues 352-372): SGALKQSSDF[Ser362Pro]QFKVPDVSII